The following is an entry in ClinVar:

NM_003482.4(KMT2D):c.956C>T (p.Ala319Val)

Gene: KMT2D (lysine methyltransferase 2D; minus strand). Cytogenetic location: 12q13.12.
Variant type: single nucleotide variant.
Coding change: c.956C>T on transcript NM_003482.4 (MANE Select); coding-DNA position 956, C replaced by T.
Protein change: p.Ala319Val; replaces alanine 319 with valine.
Molecular consequence: missense variant.
Genome position (GRCh38, 1-based): chr12:49,053,071, G>A on the plus strand (C>T on the coding strand, the complement: KMT2D is on the minus strand). VCF-style: chr12-49053071-G-A. GRCh37 (hg19) VCF-style: chr12-49446854-G-A.
Other names: short protein forms A319V.
Identifiers: ClinVar variation 1495455 (VCV001495455.6), dbSNP rs780376463, ClinGen allele CA6548611.

ClinVar aggregate classification (germline): Uncertain significance (1 of 4 stars; one submission).

Conditions:
Kabuki syndrome. Also called: Kabuki make-up syndrome; NIIKAWA-KUROKI SYNDROME. Identifiers: Orphanet 2322, MedGen C0796004, MONDO:0016512.

Allele frequency attached by ClinVar (database versions not stated): gnomAD 0.00002 and 0.00004; gnomAD exomes 0.00002 and 0.00004; TOPMed 0.00002; ExAC 0.00006.
gnomAD v4.1: 40 of 1,613,894 alleles (0.0025%); highest among the groups gnomAD compares: South Asian, 0.036%; no homozygotes.

Submission:

Labcorp Genetics (formerly Invitae), Labcorp
Classification: Uncertain significance for Kabuki syndrome. Last evaluated: 2025-08-25. Review status: criteria provided, single submitter. Criteria: Invitae Variant Classification Sherloc (09022015). Collection method: clinical testing. Allele origin: germline.
Comment: This sequence change replaces alanine, which is neutral and non-polar, with valine, which is neutral and non-polar, at codon 319 of the KMT2D protein (p.Ala319Val). This variant is present in population databases (rs780376463, gnomAD 0.03%). This variant has not been reported in the literature in individuals affected with KMT2D-related conditions. This missense change has been observed in at least one individual who was not affected with KMT2D-related conditions (internal data). ClinVar contains an entry for this variant (Variation ID: 1495455). Experimental studies and prediction algorithms are not available or were not evaluated, and the functional significance of this variant is currently unknown. In summary, the available evidence is currently insufficient to determine the role of this variant in disease. Therefore, it has been classified as a Variant of Uncertain Significance.